The following is an entry in ClinVar:

NM_001370466.1(NOD2):c.1445C>G (p.Thr482Ser)

Gene: NOD2 (nucleotide binding oligomerization domain containing 2; plus strand). Cytogenetic location: 16q12.1.
Variant type: single nucleotide variant.
Coding change: c.1445C>G on transcript NM_001370466.1 (MANE Select); coding-DNA position 1445, C replaced by G.
Protein change: p.Thr482Ser; replaces threonine 482 with serine.
Molecular consequence: missense variant. On other transcripts: non-coding transcript variant (1).
Genome position (GRCh38, 1-based): chr16:50,711,437, C>G. VCF-style: chr16-50711437-C-G. GRCh37 (hg19) VCF-style: chr16-50745348-C-G.
Other names: c.1445C>G, p.Thr482Ser (NM_001293557.2); c.1526C>G, p.Thr509Ser (NM_022162.3); short protein forms T509S, T482S.
Identifiers: ClinVar variation 2936815 (VCV002936815.3), dbSNP rs773580517, ClinGen allele CA395869110.

ClinVar aggregate classification (germline): Uncertain significance (1 of 4 stars; one submission).

Conditions:
Blau syndrome (BLAUS). Also called: ARTHROCUTANEOUVEAL GRANULOMATOSIS; GRANULOMATOSIS, FAMILIAL JUVENILE SYSTEMIC; GRANULOMATOSIS, FAMILIAL, BLAU TYPE; GRANULOMATOUS INFLAMMATORY ARTHRITIS, DERMATITIS, AND UVEITIS, FAMILIAL; JABS SYNDROME. Identifiers: Orphanet 90340, MedGen C5201146, MONDO:0008523, OMIM 186580.
Regional enteritis. Also called: Enteritis, Granulomatous. Identifiers: MedGen C0678202, MeSH D003424.

Allele frequency attached by ClinVar (database versions not stated): TOPMed below 0.00001.

Submission:

Labcorp Genetics (formerly Invitae), Labcorp
Classification: Uncertain significance for Regional enteritis; Blau syndrome. Last evaluated: 2024-10-30. Review status: criteria provided, single submitter. Criteria: Invitae Variant Classification Sherloc (09022015). Collection method: clinical testing. Allele origin: germline.
Comment: This sequence change replaces threonine, which is neutral and polar, with serine, which is neutral and polar, at codon 509 of the NOD2 protein (p.Thr509Ser). This variant is not present in population databases (gnomAD no frequency). This variant has not been reported in the literature in individuals affected with NOD2-related conditions. ClinVar contains an entry for this variant (Variation ID: 2936815). Invitae Evidence Modeling of protein sequence and biophysical properties (such as structural, functional, and spatial information, amino acid conservation, physicochemical variation, residue mobility, and thermodynamic stability) indicates that this missense variant is not expected to disrupt NOD2 protein function with a negative predictive value of 95%. In summary, the available evidence is currently insufficient to determine the role of this variant in disease. Therefore, it has been classified as a Variant of Uncertain Significance.